The following is an entry in ClinVar:

NM_001040108.2(MLH3):c.971C>A (p.Ala324Asp)

Gene: MLH3 (mutL homolog 3; minus strand). Cytogenetic location: 14q24.3.
Variant type: single nucleotide variant.
Coding change: c.971C>A on transcript NM_001040108.2 (MANE Select); coding-DNA position 971, C replaced by A.
Protein change: p.Ala324Asp; replaces alanine 324 with aspartic acid.
Molecular consequence: missense variant.
Genome position (GRCh38, 1-based): chr14:75,048,685, G>T on the plus strand (C>A on the coding strand, the complement: MLH3 is on the minus strand). VCF-style: chr14-75048685-G-T. GRCh37 (hg19) VCF-style: chr14-75515388-G-T.
Other names: c.971C>A, p.Ala324Asp (NM_014381.3); short protein forms A324D.
Identifiers: ClinVar variation 3396759 (VCV003396759.1).

ClinVar aggregate classification (germline): Uncertain significance (1 of 4 stars; one submission).

Submission:

Ambry Genetics
Classification: Uncertain significance. Last evaluated: 2024-11-02. Review status: criteria provided, single submitter. Criteria: Ambry Variant Classification Scheme 2023. Collection method: clinical testing. Allele origin: germline.
Comment: The p.A324D variant (also known as c.971C>A), located in coding exon 1 of the MLH3 gene, results from a C to A substitution at nucleotide position 971. The alanine at codon 324 is replaced by aspartic acid, an amino acid with dissimilar properties. This amino acid position is conserved. In addition, the in silico prediction for this alteration is inconclusive. Based on the available evidence, the clinical significance of this variant remains unclear.